The following is an entry in ClinVar:

NM_001184880.2(PCDH19):c.1438C>T (p.Pro480Ser)

Gene: PCDH19 (protocadherin 19; minus strand). Cytogenetic location: Xq22.1.
Variant type: single nucleotide variant.
Coding change: c.1438C>T on transcript NM_001184880.2 (MANE Select); coding-DNA position 1438, C replaced by T.
Protein change: p.Pro480Ser; replaces proline 480 with serine.
Molecular consequence: missense variant.
Genome position (GRCh38, 1-based): chrX:100,407,160, G>A on the plus strand (C>T on the coding strand, the complement: PCDH19 is on the minus strand). VCF-style: chrX-100407160-G-A. GRCh37 (hg19) VCF-style: chrX-99662158-G-A.
Other names: c.1438C>T, p.Pro480Ser (NM_001105243.2, NM_020766.3); short protein forms P480S.
Identifiers: ClinVar variation 1008820 (VCV001008820.9), dbSNP rs201320371, ClinGen allele CA414002725.

ClinVar aggregate classification (germline): Uncertain significance (1 of 4 stars; one submission).

Conditions:
Developmental and epileptic encephalopathy, 9 (DEE9). Also called: JUBERG-HELLMAN SYNDROME; PCDH19-Related X-Linked Female-Limited Epilepsy with Mental Retardation; Early infantile epileptic encephalopathy 9; EPILEPSY, FEMALE-RESTRICTED, WITH MENTAL RETARDATION. Identifiers: Orphanet 101039, Orphanet 2076, MedGen C1848137, MONDO:0010246, OMIM 300088. Disease mechanism: loss of function.

Submission:

Labcorp Genetics (formerly Invitae), Labcorp
Classification: Uncertain significance for Developmental and epileptic encephalopathy, 9. Last evaluated: 2022-08-31. Review status: criteria provided, single submitter. Criteria: Invitae Variant Classification Sherloc (09022015). Collection method: clinical testing. Allele origin: germline.
Comment: ClinVar contains an entry for this variant (Variation ID: 1008820). This variant has not been reported in the literature in individuals affected with PCDH19-related conditions. This variant is not present in population databases (gnomAD no frequency). This sequence change replaces proline, which is neutral and non-polar, with serine, which is neutral and polar, at codon 480 of the PCDH19 protein (p.Pro480Ser). In summary, the available evidence is currently insufficient to determine the role of this variant in disease. Therefore, it has been classified as a Variant of Uncertain Significance. Advanced modeling of protein sequence and biophysical properties (such as structural, functional, and spatial information, amino acid conservation, physicochemical variation, residue mobility, and thermodynamic stability) performed at Invitae indicates that this missense variant is expected to disrupt PCDH19 protein function.